The following is an entry in ClinVar:

ClinVar aggregate classification (germline): Pathogenic/Likely pathogenic. Review status: criteria provided, multiple submitters, no conflicts (2 of 4 stars). 6 submissions from 6 submitters: Pathogenic (1); Likely pathogenic (4). 1 of the submissions does not count toward it. Last evaluated 2025-09-02.

Conditions:
Neurofibromatosis, type 1 (NF1). Also called: Neurofibromatosis, type I; NEUROFIBROMATOSIS, TYPE I, SOMATIC; Peripheral type neurofibromatosis; VON RECKLINGHAUSEN DISEASE. Identifiers: Orphanet 636, MedGen C0027831, MONDO:0018975, OMIM 162200. Disease mechanism: loss of function.

Allele frequency attached by ClinVar (database versions not stated): gnomAD exomes below 0.00001.
gnomAD v4.1: 1 of 1,614,052 alleles (0.000062%); highest among the groups gnomAD compares: Non-Finnish European, 0.000085%; no homozygotes.

Submissions (6):

Labcorp Genetics (formerly Invitae), Labcorp
Classification: Pathogenic for Neurofibromatosis, type 1. Last evaluated: 2025-09-02. Review status: criteria provided, single submitter. Criteria: Invitae Variant Classification Sherloc (09022015). Collection method: clinical testing. Allele origin: germline.
Comment: This sequence change replaces glutamine, which is neutral and polar, with arginine, which is basic and polar, at codon 1494 of the NF1 protein (p.Gln1494Arg). This variant is not present in population databases (gnomAD no frequency). This missense change has been observed in individual(s) with neurofibromatosis type 1 (PMID: 26635368, 37751797; internal data). Invitae Evidence Modeling of clinical and family history, age, sex, and reported ancestry of multiple individuals with this NF1 variant has been performed. This variant is expected to be pathogenic with a positive predictive value of at least 99%. This is a validated machine learning model that incorporates the clinical features of 1,785,918 individuals referred to our laboratory for NF1 testing. ClinVar contains an entry for this variant (Variation ID: 431647). Invitae Evidence Modeling of protein sequence and biophysical properties (such as structural, functional, and spatial information, amino acid conservation, physicochemical variation, residue mobility, and thermodynamic stability) indicates that this missense variant is expected to disrupt NF1 protein function with a positive predictive value of 95%. For these reasons, this variant has been classified as Pathogenic.

Clinical Genetics Laboratory, Skane University Hospital Lund
Classification: Likely pathogenic for Neurofibromatosis, type 1. Last evaluated: 2025-07-04. Review status: criteria provided, single submitter. Criteria: ACMG Guidelines, 2015. Collection method: clinical testing. Allele origin: germline. Affected: yes.
Comment: ACMG criteria used: PS4, PM2_supporting, PM6_supporting, PP3

Medical Genetics, University of Parma
Classification: Likely pathogenic for Neurofibromatosis, type 1. Last evaluated: 2022-08-17. Review status: criteria provided, single submitter. Criteria: ACMG Guidelines, 2015. Collection method: clinical testing. Allele origin: germline. Inheritance: Autosomal dominant inheritance. Affected: yes.

Genome-Nilou Lab
Classification: Likely pathogenic for Neurofibromatosis, type 1. Last evaluated: 2022-03-15. Review status: criteria provided, single submitter. Criteria: ACMG Guidelines, 2015. Collection method: clinical testing. Allele origin: germline. Affected: no.

GeneDx
Classification: Likely pathogenic. Last evaluated: 2019-07-30. Review status: criteria provided, single submitter. Criteria: GeneDx Variant Classification Process June 2021. Collection method: clinical testing. Allele origin: germline. Affected: yes.
Comment: Not observed in large population cohorts (Lek 2016); In silico analysis, which includes protein predictors and evolutionary conservation, supports a deleterious effect; This variant is associated with the following publications: (PMID: 26635368, 23656349)

Bioscientia Institut fuer Medizinische Diagnostik GmbH, Sonic Healthcare
Classification: Likely pathogenic for Neurofibromatosis, type 1. Last evaluated: 2018-12-18. Review status: no assertion criteria provided. Collection method: clinical testing. Allele origin: germline. Affected: yes. Not counted in ClinVar's aggregate classification.

Literature cited by the submitters: PubMed 26635368 (cited by Labcorp Genetics (formerly Invitae), Labcorp); PubMed 37751797 (cited by Labcorp Genetics (formerly Invitae), Labcorp).

NM_001042492.3(NF1):c.4544A>G (p.Gln1515Arg)

Gene: NF1 (neurofibromin 1; plus strand). Cytogenetic location: 17q11.2.
Variant type: single nucleotide variant.
Coding change: c.4544A>G on transcript NM_001042492.3 (MANE Select); coding-DNA position 4544, A replaced by G.
Protein change: p.Gln1515Arg; replaces glutamine 1515 with arginine.
Molecular consequence: missense variant.
Genome position (GRCh38, 1-based): chr17:31,260,482, A>G. VCF-style: chr17-31260482-A-G. GRCh37 (hg19) VCF-style: chr17-29587500-A-G.
Other names: c.4481A>G, p.Gln1494Arg (NM_000267.4); short protein forms Q1494R, Q1515R.
Identifiers: ClinVar variation 431647 (VCV000431647.15), dbSNP rs1135402865, ClinGen allele CA398999792.
Genomic context (GRCh38, chr17:31,260,482, plus strand): 5'-GTCTTTCCTTCATAAGTGACGGCAATGTGCTTGCTTTACATCGTCTACTCTGGAACAATC[A>G]GGAGAAAATTGGGCAGTATCTTTCCAGCAACAGGTAAGATTTCCCAGTCATGGGGATAGT-3'
Protein context (NP_001035957.1, residues 1505-1525): LALHRLLWNN[Gln1515Arg]EKIGQYLSSN